The following is an entry in ClinVar:

ClinVar aggregate classification (germline): Uncertain significance (1 of 4 stars; one submission).

Conditions:
Cardiomyopathy (CMYO). Also called: Cardiomyopathies. Identifiers: Orphanet 167848, MedGen C0878544, MONDO:0004994, HP:0001638. Inheritance: Various modes of inheritance.

Submission:

Color Diagnostics, LLC DBA Color Health
Classification: Uncertain significance for Cardiomyopathy. Last evaluated: 2025-05-30. Review status: criteria provided, single submitter. Criteria: ACMG Guidelines, 2015. Collection method: clinical testing. Allele origin: germline.
Comment: This variant inserts 1 nucleotide in exon 45 of the RYR2 gene, creating a frameshift and premature translation stop signal. This variant is expected to result in an absent or non-functional protein product. To our knowledge, this variant has not been reported in individuals affected with RYR2-related disorders in the literature. This variant has not been identified in the general population by the Genome Aggregation Database (gnomAD). Clinical relevance of loss-of-function RYR2 truncation variants in autosomal dominant cardiovascular disorders is not clearly established. The available evidence is insufficient to determine the role of this variant in disease conclusively. Therefore, this variant is classified as a Variant of Uncertain Significance.

NM_001035.3(RYR2):c.6912dup (p.Ala2305fs)

Gene: RYR2 (ryanodine receptor 2; plus strand). Cytogenetic location: 1q43.
Variant type: Duplication.
Coding change: c.6912dup on transcript NM_001035.3 (MANE Select); coding-DNA position 6912, one base duplicated (T; older notation c.6912dupT).
Protein change: p.Ala2305fs; shifts the reading frame from alanine 2305.
Molecular consequence: frameshift variant.
Genome position (GRCh38, 1-based): chr1:237,638,476, T duplicated; the last of 3 consecutive T bases (chr1:237,638,474-237,638,476); duplicating any one gives the same sequence. VCF-style (leftmost placement, unchanged base first): chr1-237638473-A-AT. GRCh37 (hg19) VCF-style: chr1-237801773-A-AT.
Other names: short protein forms A2305fs.
Identifiers: ClinVar variation 4758733 (VCV004758733.1).